The following is an entry in ClinVar:

NM_014712.3(SETD1A):c.1415C>T (p.Ala472Val)

Gene: SETD1A (SET domain containing 1A, histone lysine methyltransferase; plus strand). Cytogenetic location: 16p11.2.
Variant type: single nucleotide variant.
Coding change: c.1415C>T on transcript NM_014712.3 (MANE Select); coding-DNA position 1415, C replaced by T.
Protein change: p.Ala472Val; replaces alanine 472 with valine.
Molecular consequence: missense variant.
Genome position (GRCh38, 1-based): chr16:30,965,157, C>T. VCF-style: chr16-30965157-C-T. GRCh37 (hg19) VCF-style: chr16-30976478-C-T.
Other names: short protein forms A472V.
Identifiers: ClinVar variation 2630180 (VCV002630180.1), dbSNP rs757406434, ClinGen allele CA395654549.
Genomic context (GRCh38, chr16:30,965,157, plus strand): 5'-AGAGAGAAGAAGTTCGGACTTCCCCCCGCCCAGCCTCCCCTGCCCGCTCTGGCTCCCCAG[C>T]CCCGGAGACCACCAATGAGAGTGTGCCCTTCGCCCAGCACAGCAGCCTGGATTCCCGCAT-3'
Protein context (NP_055527.1, residues 462-482): PASPARSGSP[Ala472Val]PETTNESVPF

ClinVar aggregate classification (germline): Uncertain significance (1 of 4 stars; one submission).

Conditions:
SETD1A-related disorder. Also called: SETD1A-related condition.

Submission:

PreventionGenetics, part of Exact Sciences
Classification: Uncertain significance for SETD1A-related condition. Last evaluated: 2023-03-09. Review status: criteria provided, single submitter. Criteria: ACMG Guidelines, 2015. Collection method: clinical testing. Allele origin: germline.
Comment: The SETD1A c.1415C>T variant is predicted to result in the amino acid substitution p.Ala472Val. To our knowledge, this variant has not been reported in the literature or in a large population database, indicating this variant is rare. At this time, the clinical significance of this variant is uncertain due to the absence of conclusive functional and genetic evidence.